The following is an entry in ClinVar:

NM_001042492.3(NF1):c.7173_7174del (p.Gly2392fs)

Gene: NF1 (neurofibromin 1; plus strand). Cytogenetic location: 17q11.2.
Variant type: Deletion.
Coding change: c.7173_7174del on transcript NM_001042492.3 (MANE Select); coding-DNA positions 7173 to 7174, 2 bases deleted (TG; older notation c.7173_7174delTG).
Protein change: p.Gly2392fs; shifts the reading frame from glycine 2392.
Molecular consequence: frameshift variant.
Genome position (GRCh38, 1-based): chr17:31,343,119-31,343,120, TG deleted. VCF-style (leftmost placement, unchanged base first): chr17-31343118-TTG-T. GRCh37 (hg19) VCF-style: chr17-29670136-TTG-T.
Other names: c.7110_7111delTG, p.Gly2371Thrfs (NM_000267.4); short protein forms G2371fs, G2392fs.
Identifiers: ClinVar variation 1069302 (VCV001069302.5), dbSNP rs2151565282, ClinGen allele CA2499224215.

ClinVar aggregate classification (germline): Pathogenic (1 of 4 stars; one submission).

Conditions:
Neurofibromatosis, type 1 (NF1). Also called: VON RECKLINGHAUSEN DISEASE; Peripheral type neurofibromatosis; NEUROFIBROMATOSIS, TYPE I, SOMATIC; Neurofibromatosis, type I. Identifiers: Orphanet 636, MedGen C0027831, MONDO:0018975, OMIM 162200. Disease mechanism: loss of function.

Submission:

Labcorp Genetics (formerly Invitae), Labcorp
Classification: Pathogenic for Neurofibromatosis, type 1. Last evaluated: 2020-08-24. Review status: criteria provided, single submitter. Criteria: Invitae Variant Classification Sherloc (09022015). Collection method: clinical testing. Allele origin: germline.
Comment: For these reasons, this variant has been classified as Pathogenic. Loss-of-function variants in NF1 are known to be pathogenic (PMID: 10712197, 23913538). This variant has not been reported in the literature in individuals with NF1-related conditions. This variant is not present in population databases (ExAC no frequency). This sequence change creates a premature translational stop signal (p.Gly2371Thrfs*29) in the NF1 gene. It is expected to result in an absent or disrupted protein product.

Literature cited by the submitters: PubMed 10712197; PubMed 23913538.